The following is an entry in ClinVar:

ClinVar aggregate classification (germline): Uncertain significance. Review status: criteria provided, multiple submitters, no conflicts (2 of 4 stars). 2 submissions from 2 submitters: Uncertain significance (2). Last evaluated 2025-04-22.

Conditions:
Hereditary cancer-predisposing syndrome. Also called: Neoplastic Syndromes, Hereditary; Tumor predisposition; Hereditary Cancer Syndrome; Hereditary neoplastic syndrome. Identifiers: Orphanet 140162, MedGen C0027672, MeSH D009386, MONDO:0015356.
Familial adenomatous polyposis 1 (FAP1). Also called: FAMILIAL ADENOMATOUS POLYPOSIS 1, ATTENUATED; POLYPOSIS, ADENOMATOUS INTESTINAL. Identifiers: MedGen C2713442, MONDO:0021056, OMIM 175100. Disease mechanism: loss of function.

Submissions (2):

Ambry Genetics
Classification: Uncertain significance for Hereditary cancer-predisposing syndrome. Last evaluated: 2025-04-22. Review status: criteria provided, single submitter. Criteria: Ambry Variant Classification Scheme 2023. Collection method: clinical testing. Allele origin: germline.
Comment: The c.760_765delTCACAT variant (also known as p.S254_H255del) is located in coding exon 7 of the APC gene. This variant results from an in-frame TCACAT deletion at nucleotide positions 760 to 765. This results in the in-frame deletion of a serine and histidine at codons 254 to 255. This amino acid region is well conserved in available vertebrate species. In addition, this alteration is predicted to be neutral by in silico analysis (Choi Y et al. PLoS ONE. 2012; 7(10):e46688). Since supporting evidence is limited at this time, the clinical significance of this alteration remains unclear.

Labcorp Genetics (formerly Invitae), Labcorp
Classification: Uncertain significance for Familial adenomatous polyposis 1. Last evaluated: 2022-11-09. Review status: criteria provided, single submitter. Criteria: Invitae Variant Classification Sherloc (09022015). Collection method: clinical testing. Allele origin: germline.
Comment: In summary, the available evidence is currently insufficient to determine the role of this variant in disease. Therefore, it has been classified as a Variant of Uncertain Significance. Experimental studies and prediction algorithms are not available or were not evaluated, and the functional significance of this variant is currently unknown. This variant has not been reported in the literature in individuals affected with APC-related conditions. This variant is not present in population databases (gnomAD no frequency). This variant, c.760_765del, results in the deletion of 2 amino acid(s) of the APC protein (p.Ser254_His255del), but otherwise preserves the integrity of the reading frame.

NM_000038.6(APC):c.760_765del (p.Ser254_His255del)

Gene: APC (APC regulator of Wnt signaling pathway; plus strand). Cytogenetic location: 5q22.2.
Variant type: Deletion.
Coding change: c.760_765del on transcript NM_000038.6 (MANE Select); coding-DNA positions 760 to 765, 6 bases deleted (TCACAT; older notation c.760_765delTCACAT).
Protein change: p.Ser254_His255del.
Molecular consequence: inframe deletion. On other transcripts: 5 prime UTR variant (1), inframe indel (17).
Genome position (GRCh38, 1-based): chr5:112,801,309-112,801,314, TCACAT deleted. VCF-style (leftmost placement, unchanged base first): chr5-112801308-CTCACAT-C. GRCh37 (hg19) VCF-style: chr5-112137005-CTCACAT-C.
Other names: c.760_765del, p.Ser254_His255del (NM_001127510.3, NM_001354895.2, NM_001354896.2 and 1 more transcripts); c.706_711del, p.Ser236_His237del (NM_001127511.3); c.790_795del, p.Ser264_His265del (NM_001354897.2, NM_001354902.2); c.685_690del, p.Ser229_His230del (NM_001354898.2, NM_001354904.2); c.676_681del, p.Ser226_His227del (NM_001354899.2); c.583_588del, p.Ser195_His196del (NM_001354900.2, NM_001354901.2, NM_001354905.2); c.-276_-271del (NM_001354906.2); c.790_795delTCACAT, p.Ser264_His265del (NM_001407446.1); and 5 more.
Identifiers: ClinVar variation 1759758 (VCV001759758.6), dbSNP rs2532751573, ClinGen allele CA2580072504.